The following is an entry in ClinVar:

NM_000092.5(COL4A4):c.1163G>T (p.Gly388Val)

Gene: COL4A4 (collagen type IV alpha 4 chain; minus strand). Cytogenetic location: 2q36.3.
Variant type: single nucleotide variant.
Coding change: c.1163G>T on transcript NM_000092.5 (MANE Select); coding-DNA position 1163, G replaced by T.
Protein change: p.Gly388Val; replaces glycine 388 with valine.
Molecular consequence: missense variant.
Genome position (GRCh38, 1-based): chr2:227,098,735, C>A on the plus strand (G>T on the coding strand, the complement: COL4A4 is on the minus strand). VCF-style: chr2-227098735-C-A. GRCh37 (hg19) VCF-style: chr2-227963451-C-A.
Other names: short protein forms G388V.
Identifiers: ClinVar variation 931925 (VCV000931925.4), dbSNP rs2060341453, ClinGen allele CA350853950.

ClinVar aggregate classification (germline): Uncertain significance. Review status: criteria provided, multiple submitters, no conflicts (2 of 4 stars). 2 submissions from 2 submitters: Uncertain significance (2). Last evaluated 2018-11-20.

Conditions:
Benign familial hematuria. Also called: thin basement membrane disease. Identifiers: MedGen C0241908, MONDO:0957317.
Hematuria, benign familial, 1 (BFH1). Also called: THIN MEMBRANE NEPHROPATHY. Identifiers: MedGen CN376803, MONDO:0007709, OMIM 141200.

Submissions (2):

Centre for Mendelian Genomics, University Medical Centre Ljubljana
Classification: Uncertain significance for Hematuria, benign familial, 1. Last evaluated: 2018-11-20. Review status: criteria provided, single submitter. Criteria: ACMG Guidelines, 2015. Collection method: clinical testing. Allele origin: unknown. Affected: yes.
Comment: This variant was classified as: Uncertain significance. The available evidence favors the pathogenic nature of this variant, however the currently available data is insufficient to conclusively support its pathogenic nature. Thus this variant is classified as Uncertain significance - favor pathogenic. The following ACMG criteria were applied in classifying this variant: PM1,PM2,PP3.

Department of Nephrology, Rheumatology and Immunology, Shanghai Children's Hospital
Classification: Uncertain significance for Hematuria, benign familial, 1. Last evaluated: 2017-06-23. Review status: criteria provided, single submitter. Criteria: ACMG Guidelines, 2015. Collection method: clinical testing. Allele origin: paternal. Affected: yes. Observed: 1 variant allele.
Comment: COL4A4 (NM_000092.5; c.1163G>T; p.Gly388Val; CDS18; Het): A missense variant with no published pathogenic evidence. Functional prediction by SIFT and PolyPhen indicated damaging effects, and its population allele frequency is very low. Considering disease prevalence, database allele frequencies and the proband’s clinical manifestations, this variant was classified as VUS.